The following is an entry in ClinVar:

ClinVar aggregate classification (germline): Uncertain significance. Review status: criteria provided, multiple submitters, no conflicts (2 of 4 stars). 7 submissions from 6 submitters: Uncertain significance (6). 1 of the submissions does not count toward it. Last evaluated 2024-10-10.

Conditions:
Autosomal recessive nonsyndromic hearing loss 21. Identifiers: Orphanet 90636, MedGen C1863655, MONDO:0011351, OMIM 603629.
Inborn genetic diseases. Identifiers: MedGen C0950123, MeSH D030342.
Autosomal dominant nonsyndromic hearing loss 12. Also called: DEAFNESS, AUTOSOMAL DOMINANT 8. Identifiers: Orphanet 90635, MedGen C1832187, MONDO:0011102, OMIM 601543.

Allele frequency attached by ClinVar (database versions not stated): gnomAD 0.00001; TOPMed 0.00001; gnomAD exomes below 0.00001.
gnomAD v4.1: 3 of 1,613,998 alleles (0.00019%); highest among the groups gnomAD compares: African/African-American, 0.0013%; no homozygotes.

Submissions (7):

Revvity Omics, Revvity
Classification: Uncertain significance. Last evaluated: 2024-10-10. Review status: criteria provided, single submitter. Criteria: ACMG Guidelines, 2015. Collection method: clinical testing. Allele origin: germline.

Blueprint Genetics
Classification: Uncertain significance. Last evaluated: 2024-07-23. Review status: criteria provided, single submitter. Criteria: ACMG Guidelines, 2015. Collection method: clinical testing. Allele origin: germline.

Ambry Genetics
Classification: Uncertain significance for Inborn genetic diseases. Last evaluated: 2022-12-05. Review status: criteria provided, single submitter. Criteria: Ambry Variant Classification Scheme 2023. Collection method: clinical testing. Allele origin: germline.

GeneDx
Classification: Uncertain significance. Last evaluated: 2022-08-29. Review status: criteria provided, single submitter. Criteria: GeneDx Variant Classification Process June 2021. Collection method: clinical testing. Allele origin: germline. Affected: yes.
Comment: Not observed at significant frequency in large population cohorts (gnomAD); In silico analysis supports that this missense variant has a deleterious effect on protein structure/function; Has not been previously published as pathogenic or benign to our knowledge

Illumina Laboratory Services, Illumina
Classification: Uncertain significance for Autosomal dominant nonsyndromic hearing loss 12. Last evaluated: 2018-01-12. Review status: criteria provided, single submitter. Criteria: ICSL Variant Classification Criteria 13 December 2019. Collection method: clinical testing. Allele origin: germline.

Illumina Laboratory Services, Illumina
Classification: Uncertain significance for Autosomal recessive nonsyndromic hearing loss 21. Last evaluated: 2018-01-12. Review status: criteria provided, single submitter. Criteria: ICSL Variant Classification Criteria 13 December 2019. Collection method: clinical testing. Allele origin: germline.

Department of Pathology and Laboratory Medicine, Sinai Health System
Classification: Uncertain significance. Review status: no assertion criteria provided. Collection method: clinical testing. Allele origin: unknown. Affected: yes. Study: The Canadian Open Genetics Repository (COGR). Not counted in ClinVar's aggregate classification.
Comment: The TECTA p.Tyr1705Cys variant was not identified in the literature but was identified in dbSNP (ID: rs886047844) and ClinVar (classified as uncertain significance by Illumina for Recessive Nonsyndromic Hearing Loss and Dominant Nonsyndromic Hearing Loss). The variant was identified in control databases in 1 of 251476 chromosomes at a frequency of 0.000003977 (Genome Aggregation Database March 6, 2019, v2.1.1). The variant was observed in the Ashkenazi Jewish population in 1 of 10080 chromosomes (freq: 0.000099), but was not observed in the African, Latino, East Asian, European (Finnish), European (non-Finnish), Other, or South Asian populations. The p.Tyr1705 residue is conserved in mammals but not in more distantly related organisms, and four out of five computational analyses (PolyPhen-2, SIFT, AlignGVGD, BLOSUM, MutationTaster) suggest that the variant may impact the protein; however, this information is not predictive enough to assume pathogenicity. The variant occurs outside of the splicing consensus sequence and in silico or computational prediction software programs (SpliceSiteFinder, MaxEntScan, NNSPLICE, GeneSplicer) do not predict a difference in splicing. In summary, based on the above information the clinical significance of this variant cannot be determined with certainty at this time. This variant is classified as a variant of uncertain significance.

NM_005422.4(TECTA):c.5114A>G (p.Tyr1705Cys)

Genes: TBCEL-TECTA (TBCEL-TECTA readthrough; plus strand), TECTA (tectorin alpha; plus strand). Cytogenetic location: 11q23.3.
Variant type: single nucleotide variant.
Coding change: c.5114A>G on transcript NM_005422.4 (MANE Select); coding-DNA position 5114, A replaced by G.
Protein change: p.Tyr1705Cys; replaces tyrosine 1705 with cysteine.
Molecular consequence: missense variant.
Genome position (GRCh38, 1-based): chr11:121,162,212, A>G. VCF-style: chr11-121162212-A-G. GRCh37 (hg19) VCF-style: chr11-121032921-A-G.
Other names: c.6056A>G, p.Tyr2019Cys (NM_001378761.1); short protein forms Y1705C, Y2019C.
Identifiers: ClinVar variation 303032 (VCV000303032.11), dbSNP rs886047844, ClinGen allele CA10638063.